The following is an entry in ClinVar:

NM_000135.4(FANCA):c.140C>T (p.Ala47Val)

Gene: FANCA (FA complementation group A; minus strand). Cytogenetic location: 16q24.3.
Variant type: single nucleotide variant.
Coding change: c.140C>T on transcript NM_000135.4 (MANE Select); coding-DNA position 140, C replaced by T.
Protein change: p.Ala47Val; replaces alanine 47 with valine.
Molecular consequence: missense variant.
Genome position (GRCh38, 1-based): chr16:89,815,926, G>A on the plus strand (C>T on the coding strand, the complement: FANCA is on the minus strand). VCF-style: chr16-89815926-G-A. GRCh37 (hg19) VCF-style: chr16-89882334-G-A.
Other names: c.140C>T, p.Ala47Val (NM_001018112.3, NM_001286167.3, NM_001351830.2); short protein forms A47V.
Identifiers: ClinVar variation 3848233 (VCV003848233.1).

ClinVar aggregate classification (germline): Uncertain significance (1 of 4 stars; one submission).

Conditions:
Inborn genetic diseases. Identifiers: MedGen C0950123, MeSH D030342.

Submission:

Ambry Genetics
Classification: Uncertain significance for Inborn genetic diseases. Last evaluated: 2025-02-14. Review status: criteria provided, single submitter. Criteria: Ambry Variant Classification Scheme 2023. Collection method: clinical testing. Allele origin: germline.
Comment: The p.A47V variant (also known as c.140C>T), located in coding exon 2 of the FANCA gene, results from a C to T substitution at nucleotide position 140. The alanine at codon 47 is replaced by valine, an amino acid with similar properties. This amino acid position is conserved. In addition, the in silico prediction for this alteration is inconclusive. Based on the available evidence, the clinical significance of this variant remains unclear.